The following is an entry in ClinVar:

ClinVar aggregate classification (germline): Uncertain significance (1 of 4 stars; one submission).

Submission:

Labcorp Genetics (formerly Invitae), Labcorp
Classification: Uncertain significance. Last evaluated: 2023-03-14. Review status: criteria provided, single submitter. Criteria: Invitae Variant Classification Sherloc (09022015). Collection method: clinical testing. Allele origin: germline.
Comment: Experimental studies and prediction algorithms are not available or were not evaluated, and the functional significance of this variant is currently unknown. This variant has not been reported in the literature in individuals affected with LAMTOR2-related conditions. This variant is not present in population databases (gnomAD no frequency). This sequence change creates a premature translational stop signal (p.Asp39Thrfs*10) in the LAMTOR2 gene. It is expected to result in an absent or disrupted protein product. However, the current clinical and genetic evidence is not sufficient to establish whether loss-of-function variants in LAMTOR2 cause disease. In summary, the available evidence is currently insufficient to determine the role of this variant in disease. Therefore, it has been classified as a Variant of Uncertain Significance.

NM_014017.4(LAMTOR2):c.115del (p.Asp39fs)

Gene: LAMTOR2 (late endosomal/lysosomal adaptor, MAPK and MTOR activator 2; plus strand). Cytogenetic location: 1q22.
Variant type: Deletion.
Coding change: c.115del on transcript NM_014017.4 (MANE Select); coding-DNA position 115, one base deleted (G; older notation c.115delG).
Protein change: p.Asp39fs; shifts the reading frame from aspartic acid 39.
Molecular consequence: frameshift variant.
Genome position (GRCh38, 1-based): chr1:156,055,309, G deleted; the last of 4 consecutive G bases (chr1:156,055,306-156,055,309); deleting any one gives the same sequence. VCF-style (leftmost placement, unchanged base first): chr1-156055305-CG-C. GRCh37 (hg19) VCF-style: chr1-156025096-CG-C.
Other names: c.115del, p.Asp39fs (NM_001145264.2); short protein forms D39fs.
Identifiers: ClinVar variation 2845710 (VCV002845710.3), dbSNP rs2527689535, ClinGen allele CA2739275329.
Genomic context (GRCh38, chr1:156,055,305, plus strand): 5'-CTCCCCGCCCCTCACCAGGCTGCTGAATAACGAGGGATCACTGCTGGCCTACTCTGGTTA[CG>C]GGGACACTGACGCCCGGGTCACCGCTGCCATAGCCAGTAACATCTGGGCCGCCTACGACC-3'